The following is an entry in ClinVar:

ClinVar aggregate classification (germline): Benign/Likely benign. Review status: criteria provided, multiple submitters, no conflicts (2 of 4 stars). 7 submissions from 7 submitters: Benign (3); Likely benign (4). Last evaluated 2025-12-16.

Conditions:
Hereditary cancer-predisposing syndrome. Also called: Hereditary neoplastic syndrome; Neoplastic Syndromes, Hereditary; Tumor predisposition; Hereditary Cancer Syndrome. Identifiers: Orphanet 140162, MedGen C0027672, MeSH D009386, MONDO:0015356.
Tuberous sclerosis syndrome (TSC). Also called: Tuberous Sclerosis Complex; Tuberous sclerosis. Identifiers: Orphanet 805, MedGen C0041341, MONDO:0001734.
Tuberous sclerosis 2 (TSC2). Identifiers: Orphanet 805, MedGen C1860707, MONDO:0013199, OMIM 613254.

Allele frequency attached by ClinVar (database versions not stated): gnomAD exomes 0.00001 and 0.00002.

Submissions (7):

Labcorp Genetics (formerly Invitae), Labcorp
Classification: Likely benign for Tuberous sclerosis 2. Last evaluated: 2025-12-16. Review status: criteria provided, single submitter. Criteria: Invitae Variant Classification Sherloc (09022015). Collection method: clinical testing. Allele origin: germline.

Myriad Genetics, Inc.
Classification: Benign for Tuberous sclerosis 2. Last evaluated: 2025-05-05. Review status: criteria provided, single submitter. Criteria: Myriad Autosomal Dominant, Autosomal Recessive and X-Linked Classification Criteria (2023). Collection method: clinical testing. Allele origin: unknown.
Comment: This variant is considered benign. This variant is a silent/synonymous amino acid change and it is not expected to impact splicing.

KCCC/NGS Laboratory, Kuwait Cancer Control Center
Classification: Benign for Tuberous sclerosis 2. Last evaluated: 2025-02-01. Review status: criteria provided, single submitter. Criteria: ACMG Guidelines, 2015. Collection method: clinical testing. Allele origin: germline. Affected: no.

All of Us Research Program, National Institutes of Health
Classification: Likely benign for Tuberous sclerosis syndrome. Last evaluated: 2023-10-23. Review status: criteria provided, single submitter. Criteria: ACMG Guidelines, 2015. Collection method: clinical testing. Allele origin: germline. Inheritance: Autosomal dominant inheritance. Observed: 7 variant alleles, 7 heterozygotes.
Comment: This study involves interpretation of variants in research participants for the purpose of population health screening. Participant phenotype was not available at the time of variant classification. Additional details can be found in publication PMID: 35346344, PMCID: PMC8962531

Genome-Nilou Lab
Classification: Benign for Tuberous sclerosis 2. Last evaluated: 2021-11-07. Review status: criteria provided, single submitter. Criteria: ACMG Guidelines, 2015. Collection method: clinical testing. Allele origin: germline. Affected: no.

Ambry Genetics
Classification: Likely benign for Hereditary cancer-predisposing syndrome. Last evaluated: 2020-01-15. Review status: criteria provided, single submitter. Criteria: Ambry Variant Classification Scheme 2023. Collection method: clinical testing. Allele origin: germline.

GeneDx
Classification: Likely benign. Last evaluated: 2018-03-07. Review status: criteria provided, single submitter. Criteria: GeneDx Variant Classification (06012015). Collection method: clinical testing. Allele origin: germline. Affected: yes.
Comment: This variant is considered likely benign or benign based on one or more of the following criteria: it is a conservative change, it occurs at a poorly conserved position in the protein, it is predicted to be benign by multiple in silico algorithms, and/or has population frequency not consistent with disease.

NM_000548.5(TSC2):c.408T>G (p.Leu136=)

Gene: TSC2 (TSC complex subunit 2; plus strand). Cytogenetic location: 16p13.3.
Variant type: single nucleotide variant.
Coding change: c.408T>G on transcript NM_000548.5 (MANE Select); coding-DNA position 408, T replaced by G.
Protein change: p.Leu136=; no amino-acid change (leucine 136 retained).
Molecular consequence: synonymous variant. On other transcripts: intron variant (1).
Genome position (GRCh38, 1-based): chr16:2,054,367, T>G. VCF-style: chr16-2054367-T-G. GRCh37 (hg19) VCF-style: chr16-2104368-T-G.
Other names: c.408T>G, p.Leu136= (NM_001077183.3, NM_001114382.3, NM_001363528.2 and 3 more transcripts); c.297T>G, p.Leu99= (NM_001318827.2); c.261T>G, p.Leu87= (NM_001318829.2); c.441T>G, p.Leu147= (NM_001318832.2); c.-1-1829T>G (NM_001318831.2); c.408T>G (NM_000548.4).
Identifiers: ClinVar variation 468064 (VCV000468064.20), dbSNP rs1037058497, ClinGen allele CA276771525.